The following is an entry in ClinVar:

NM_012418.4(FSCN2):c.64C>A (p.Arg22Ser)

Gene: FSCN2 (fascin actin-bundling protein 2, retinal; plus strand). Cytogenetic location: 17q25.3.
Variant type: single nucleotide variant.
Coding change: c.64C>A on transcript NM_012418.4 (MANE Select); coding-DNA position 64, C replaced by A.
Protein change: p.Arg22Ser; replaces arginine 22 with serine.
Molecular consequence: missense variant.
Genome position (GRCh38, 1-based): chr17:81,528,595, C>A. VCF-style: chr17-81528595-C-A. GRCh37 (hg19) VCF-style: chr17-79495621-C-A.
Other names: c.64C>A, p.Arg22Ser (NM_001077182.3); short protein forms R22S.
Identifiers: ClinVar variation 3700401 (VCV003700401.2).
Genomic context (GRCh38, chr17:81,528,595, plus strand): 5'-CCGACGAACGGCCTGCACCAGGTGCTGAAGATCCAGTTTGGCCTCGTCAACGACACTGAC[C>A]GCTACCTGACAGCTGAGAGCTTCGGCTTCAAGGTCAATGCCTCGGCACCCAGCCTCAAGA-3'
Protein context (NP_036550.1, residues 12-32): IQFGLVNDTD[Arg22Ser]YLTAESFGFK

ClinVar aggregate classification (germline): Uncertain significance (1 of 4 stars; one submission).

gnomAD v4.1: 3 of 1,608,950 alleles (0.00019%); highest among the groups gnomAD compares: Non-Finnish European, 0.00025%; no homozygotes.

Submission:

Labcorp Genetics (formerly Invitae), Labcorp
Classification: Uncertain significance. Last evaluated: 2024-11-25. Review status: criteria provided, single submitter. Criteria: Invitae Variant Classification Sherloc (09022015). Collection method: clinical testing. Allele origin: germline.
Comment: This sequence change replaces arginine, which is basic and polar, with serine, which is neutral and polar, at codon 22 of the FSCN2 protein (p.Arg22Ser). The frequency data for this variant in the population databases is considered unreliable, as metrics indicate poor data quality at this position in the gnomAD database. This variant has not been reported in the literature in individuals affected with FSCN2-related conditions. An algorithm developed to predict the effect of missense changes on protein structure and function (PolyPhen-2) suggests that this variant is likely to be disruptive. In summary, the available evidence is currently insufficient to determine the role of this variant in disease. Therefore, it has been classified as a Variant of Uncertain Significance.